The following is an entry in ClinVar:

NM_007294.4(BRCA1):c.5312C>A (p.Pro1771His)

Gene: BRCA1 (BRCA1 DNA repair associated; minus strand). Cytogenetic location: 17q21.31.
Variant type: single nucleotide variant.
Coding change: c.5312C>A on transcript NM_007294.4 (MANE Select); coding-DNA position 5312, C replaced by A.
Protein change: p.Pro1771His; replaces proline 1771 with histidine.
Molecular consequence: missense variant. On other transcripts: non-coding transcript variant (1).
Genome position (GRCh38, 1-based): chr17:43,051,083, G>T on the plus strand (C>A on the coding strand, the complement: BRCA1 is on the minus strand). VCF-style: chr17-43051083-G-T. GRCh37 (hg19) VCF-style: chr17-41203100-G-T.
Other names: c.5099C>A, p.Pro1700His (NM_001407571.1, NM_001407902.1, NM_001407904.1 and 12 more transcripts); c.5378C>A, p.Pro1793His (NM_001407581.1, NM_001407582.1); c.5375C>A, p.Pro1792His (NM_001407583.1, NM_001407585.1, NM_001407587.1 and 1 more transcripts); c.5372C>A, p.Pro1791His (NM_001407590.1, NM_001407591.1); c.5312C>A, p.Pro1771His (NM_001407593.1, NM_001407594.1, NM_001407596.1 and 6 more transcripts); c.5309C>A, p.Pro1770His (NM_001407610.1, NM_001407611.1, NM_001407612.1 and 17 more transcripts); c.5306C>A, p.Pro1769His (NM_001407629.1, NM_001407630.1, NM_001407631.1 and 14 more transcripts); c.5252C>A, p.Pro1751His (NM_001407649.1); and 72 more; short protein forms P1771H, P667H, P1724H, P1792H, P1617H, P1701H, P1722H, P1766H.
Identifiers: ClinVar variation 868299 (VCV000868299.3), dbSNP rs80357025, ClinGen allele CA10590926.

Conditions:
Breast-ovarian cancer, familial, susceptibility to, 1 (BROVCA1). Also called: BRCA1 Hereditary Breast and Ovarian Cancer; OVARIAN CANCER, SUSCEPTIBILITY TO. Identifiers: Orphanet 145, MedGen C2676676, MONDO:0011450, OMIM 604370. Disease mechanism: loss of function.

Submission:

Brotman Baty Institute, University of Washington
No classification provided (evidence only). Condition: Breast-ovarian cancer, familial 1. Review status: no classification provided. Collection method: in vitro. Allele origin: not applicable. Functional consequence: functionally_normal.
ClinVar note: "not provided" was previously submitted as the classification for the variant. However, the classification appeared to be based only on an observation of functional data so it was converted to no classification on 2025-07-30.